The following is an entry in ClinVar:

NM_018475.5(TMEM165):c.124C>T (p.Arg42Trp)

Genes: TMEM165 (transmembrane protein 165; plus strand), LOC129992613 (ATAC-STARR-seq lymphoblastoid silent region 15439; plus strand). Cytogenetic location: 4q12.
Variant type: single nucleotide variant.
Coding change: c.124C>T on transcript NM_018475.5 (MANE Select); coding-DNA position 124, C replaced by T.
Protein change: p.Arg42Trp; replaces arginine 42 with tryptophan.
Molecular consequence: missense variant. On other transcripts: non-coding transcript variant (1).
Genome position (GRCh38, 1-based): chr4:55,396,313, C>T. VCF-style: chr4-55396313-C-T. GRCh37 (hg19) VCF-style: chr4-56262480-C-T.
Other names: short protein forms R42W.
Identifiers: ClinVar variation 1937586 (VCV001937586.3), dbSNP rs1036333511, ClinGen allele CA97484494.

ClinVar aggregate classification (germline): Uncertain significance (1 of 4 stars; one submission).

Conditions:
TMEM165-congenital disorder of glycosylation. Also called: Congenital disorder of glycosylation type 2k; CDG IIk; TMEM165-CDG. Identifiers: Orphanet 314667, MedGen C3553571, MONDO:0013870, OMIM 614727.

Allele frequency attached by ClinVar (database versions not stated): TOPMed below 0.00001; gnomAD 0.00001.
gnomAD v4.1: 6 of 1,526,786 alleles (0.00039%); highest among the groups gnomAD compares: South Asian, 0.0012%; no homozygotes.

Submission:

Labcorp Genetics (formerly Invitae), Labcorp
Classification: Uncertain significance for TMEM165-congenital disorder of glycosylation. Last evaluated: 2022-07-03. Review status: criteria provided, single submitter. Criteria: Invitae Variant Classification Sherloc (09022015). Collection method: clinical testing. Allele origin: germline.
Comment: In summary, the available evidence is currently insufficient to determine the role of this variant in disease. Therefore, it has been classified as a Variant of Uncertain Significance. Algorithms developed to predict the effect of missense changes on protein structure and function are either unavailable or do not agree on the potential impact of this missense change (SIFT: "Deleterious"; PolyPhen-2: "Possibly Damaging"; Align-GVGD: "Class C0"). This variant has not been reported in the literature in individuals affected with TMEM165-related conditions. This variant is not present in population databases (gnomAD no frequency). This sequence change replaces arginine, which is basic and polar, with tryptophan, which is neutral and slightly polar, at codon 42 of the TMEM165 protein (p.Arg42Trp).